The following continues an entry in ClinVar:

NM_000371.4(TTR):c.379A>G (p.Ile127Val)

Gene: TTR. ClinVar aggregate classification (germline): Pathogenic. Pathogenic (14).

Submissions 11 to 15 of 15:

Institute of Medical Genetics and Applied Genomics, University Hospital Tübingen
Classification: Pathogenic. Last evaluated: 2020-10-23. Review status: criteria provided, single submitter. Criteria: ACMG Guidelines, 2015. Collection method: clinical testing. Allele origin: germline. Inheritance: Autosomal dominant inheritance. Affected: yes.

Mendelics
Classification: Pathogenic for Amyloidosis, hereditary systemic 1. Last evaluated: 2019-05-28. Review status: criteria provided, single submitter. Criteria: Mendelics Assertion Criteria 2017. Collection method: clinical testing. Allele origin: unknown.

Women's Health and Genetics/Laboratory Corporation of America, LabCorp
Classification: Pathogenic for Amyloidosis, hereditary systemic 1. Last evaluated: 2016-02-26. Review status: criteria provided, single submitter. Criteria: LabCorp Variant Classification Summary - May 2015. Collection method: clinical testing. Allele origin: germline.
Comment: Variant summary: The TTR c.379A>G variant affects a conserved nucleotide, resulting in amino acid change from Ile to Val. 3/4 in-silico tools predict this variant to be benign (SNPs&GO not captured due to low reliability index). However, functional studies indicate that TTRI107V dimers and tetramers decreased stability compared to controls. This variant is not found in 121416 control chromosomes, but has been cited in numerous ATTR patients from various ethnicities. Taken together, this is a disease variant and was classified as pathogenic.

Pediatric Department, Fayoum Faculty of Medicine
Classification: Pathogenic for Amyloidosis, hereditary systemic 1. Review status: criteria provided, single submitter. Criteria: ACMG Guidelines, 2015. Collection method: clinical testing. Allele origin: germline. Inheritance: Autosomal dominant inheritance. Affected: yes. Observed: 1 heterozygote.
Comment: Variant: NM_000371.4(TTR):c.379A>G (p.Ile127Val) Classification: Pathogenic (germline) This missense variant results in substitution of isoleucine with valine at codon 127 of the TTR protein. It has been reported in multiple unrelated individuals with transthyretin (ATTR) amyloidosis, including both cardiac and neurological presentations (Jacobson DR et al. Hum. Mutat., 1994;3:399-401; Plant&eacute;-Bordeneuve V et al. Neurology, 1998 Sep;51:708-14; Damy T et al. Eur. Heart J., 2016 06;37:1826-34; Kuzume D et al. Rinsho Shinkeigaku, 2016 04;56:277-80). Functional studies show that this substitution destabilises TTR tetramer formation, supporting a pathogenic mechanism (Altland et al., 2007, PMID:17503405). Additional variants affecting the same residue (p.I127F, p.I127M) have also been observed in individuals with ATTR amyloidosis, highlighting the functional importance of this amino acid (Cappellari et al., 2011, PMID:21692911; Lv et al., 2014, PMID:24480837). The variant is absent or extremely rare in large population databases such as gnomAD, consistent with a pathogenic role (PM2). In silico tools predict a deleterious effect on protein function (PP3). Overall, this evidence supports classification of Pathogenic for hereditary transthyretin amyloidosis (OMIM:105210). Assertion criteria: Classification performed using ACMG/AMP Guidelines (Richards et al., 2015; PMID:25741868). Publications: PubMed: 7914929‚ 8081397‚ 9748014‚ 20209591‚ 24101130‚ 26537620‚ 27025994‚ 27066555‚ 17503405‚ 22745357‚ 24480837

OMIM
Classification: Pathogenic for AMYLOIDOSIS, HEREDITARY SYSTEMIC 1. Last evaluated: 1994-05-01. Review status: no assertion criteria provided. Collection method: literature only. Allele origin: germline. Not counted in ClinVar's aggregate classification.

Literature cited by the submitters: PubMed 7914929 (cited by 6 submitters); PubMed 8081397 (cited by 5 submitters); PubMed 9748014 (cited by 5 submitters); PubMed 20209591 (cited by 4 submitters); PubMed 24101130 (cited by 3 submitters); PubMed 26537620 (cited by 4 submitters); PubMed 27025994 (cited by 3 submitters); PubMed 27066555 (cited by 4 submitters); PubMed 17503405 (cited by 5 submitters); PubMed 22745357 (cited by Labcorp Genetics (formerly Invitae), Labcorp and Pediatric Department, Fayoum Faculty of Medicine); PubMed 24480837 (cited by 3 submitters); PubMed 21692911 (cited by Ambry Genetics and Athena Diagnostics); PubMed 30306720 (cited by Ambry Genetics); PubMed 29520877 (cited by Athena Diagnostics); PubMed 34440326 (cited by Athena Diagnostics); PubMed 28434346 (cited by Athena Diagnostics); PubMed 17443043 (cited by Athena Diagnostics); PubMed 34658264 (cited by Athena Diagnostics); PubMed 26656838 (cited by Athena Diagnostics); PubMed 35637921 (cited by Athena Diagnostics); PubMed 34746851 (cited by Athena Diagnostics); PubMed 35665045 (cited by Athena Diagnostics); PubMed 35417510 (cited by Athena Diagnostics); PubMed 12039669 (cited by Athena Diagnostics and Women's Health and Genetics/Laboratory Corporation of America, LabCorp); PubMed 15123043 (cited by Women's Health and Genetics/Laboratory Corporation of America, LabCorp); PubMed 19781421 (cited by Women's Health and Genetics/Laboratory Corporation of America, LabCorp).